The following is an entry in ClinVar:

ClinVar aggregate classification (germline): Uncertain significance (1 of 4 stars; one submission).

gnomAD v4.1: 1 of 1,572,280 alleles (0.000064%); highest among the groups gnomAD compares: African/African-American, 0.0013%; no homozygotes.

Submission:

Labcorp Genetics (formerly Invitae), Labcorp
Classification: Uncertain significance. Last evaluated: 2024-05-01. Review status: criteria provided, single submitter. Criteria: Invitae Variant Classification Sherloc (09022015). Collection method: clinical testing. Allele origin: germline.
Comment: This sequence change replaces threonine, which is neutral and polar, with alanine, which is neutral and non-polar, at codon 179 of the CREB3L3 protein (p.Thr179Ala). This variant is not present in population databases (gnomAD no frequency). This variant has not been reported in the literature in individuals affected with CREB3L3-related conditions. Advanced modeling of protein sequence and biophysical properties (such as structural, functional, and spatial information, amino acid conservation, physicochemical variation, residue mobility, and thermodynamic stability) performed at Invitae indicates that this missense variant is not expected to disrupt CREB3L3 protein function with a negative predictive value of 80%. In summary, the available evidence is currently insufficient to determine the role of this variant in disease. Therefore, it has been classified as a Variant of Uncertain Significance.

NM_032607.3(CREB3L3):c.535A>G (p.Thr179Ala)

Gene: CREB3L3 (cAMP responsive element binding protein 3 like 3; plus strand). Cytogenetic location: 19p13.3.
Variant type: single nucleotide variant.
Coding change: c.535A>G on transcript NM_032607.3 (MANE Select); coding-DNA position 535, A replaced by G.
Protein change: p.Thr179Ala; replaces threonine 179 with alanine.
Molecular consequence: missense variant.
Genome position (GRCh38, 1-based): chr19:4,159,741, A>G. VCF-style: chr19-4159741-A-G. GRCh37 (hg19) VCF-style: chr19-4159738-A-G.
Other names: c.532A>G, p.Thr178Ala (NM_001271995.2); c.535A>G, p.Thr179Ala (NM_001271996.2, NM_001271997.2); short protein forms T179A, T178A.
Identifiers: ClinVar variation 3695692 (VCV003695692.2).